The following is an entry in ClinVar:

NM_001110556.2(FLNA):c.1238C>T (p.Thr413Met)

Gene: FLNA (filamin A; minus strand). Cytogenetic location: Xq28.
Variant type: single nucleotide variant.
Coding change: c.1238C>T on transcript NM_001110556.2 (MANE Select); coding-DNA position 1238, C replaced by T.
Protein change: p.Thr413Met; replaces threonine 413 with methionine.
Molecular consequence: missense variant.
Genome position (GRCh38, 1-based): chrX:154,366,215, G>A on the plus strand (C>T on the coding strand, the complement: FLNA is on the minus strand). VCF-style: chrX-154366215-G-A. GRCh37 (hg19) VCF-style: chrX-153594583-G-A.
Other names: p.Thr413Met; c.1238C>T, p.Thr413Met (NM_001456.4); short protein forms T413M.
Identifiers: ClinVar variation 211010 (VCV000211010.24), dbSNP rs782549299, ClinGen allele CA206360.

ClinVar aggregate classification (germline): Conflicting classifications of pathogenicity. Review status: criteria provided, conflicting classifications (1 of 4 stars). 6 submissions from 6 submitters: Uncertain significance (2); Benign (1); Likely benign (3). Last evaluated 2026-01-18.

Conditions:
Oto-palato-digital syndrome, type II (OPD2). Also called: Otopalatodigital Syndrome, Type II; FACIOPALATOOSSEOUS SYNDROME; OPD II SYNDROME; Otopalatodigital Syndrome Type 2 (FLNA-OPD2). Identifiers: Orphanet 669, Orphanet 90652, MedGen C1844696, MONDO:0010571, OMIM 304120.
Frontometaphyseal dysplasia (FMD1). Identifiers: Orphanet 1826, MedGen C0265293, MONDO:0015942.
Heterotopia, periventricular, X-linked dominant (PVNH1). Also called: PERIVENTRICULAR NODULAR HETEROTOPIA 1; X-linked periventricular heterotopia; PERIVENTRICULAR NODULAR HETEROTOPIA 4; HETEROTOPIA, PERIVENTRICULAR, 1. Identifiers: Orphanet 2149, Orphanet 82004, MedGen C1848213, MONDO:0010233, OMIM 300049.
Melnick-Needles syndrome (MNS). Also called: MELNICK-NEEDLES OSTEODYSPLASTY; OSTEODYSPLASTY OF MELNICK AND NEEDLES; Melnick-Needles Syndrome (FLNA-MNS). Identifiers: Orphanet 2484, MedGen C0025237, MONDO:0010650, OMIM 309350.
Familial thoracic aortic aneurysm and aortic dissection (TAAD). Also called: Thoracic aortic aneurysms and dissections. Identifiers: Orphanet 91387, MedGen C4707243, MONDO:0019625.

Allele frequency attached by ClinVar (database versions not stated): gnomAD exomes 0.00005 and 0.00004; TOPMed 0.00006; gnomAD 0.00011; ExAC 0.00003.
gnomAD v4.1: 52 of 1,209,312 alleles (0.0043%); highest among the groups gnomAD compares: Middle Eastern, 0.046%; no homozygotes.

Submissions (6):

Labcorp Genetics (formerly Invitae), Labcorp
Classification: Benign for Oto-palato-digital syndrome, type II; Heterotopia, periventricular, X-linked dominant; Frontometaphyseal dysplasia; Melnick-Needles syndrome. Last evaluated: 2026-01-18. Review status: criteria provided, single submitter. Criteria: Invitae Variant Classification Sherloc (09022015). Collection method: clinical testing. Allele origin: germline.

Ambry Genetics
Classification: Likely benign for Familial thoracic aortic aneurysm and aortic dissection. Last evaluated: 2025-06-16. Review status: criteria provided, single submitter. Criteria: Ambry Variant Classification Scheme 2023. Collection method: clinical testing. Allele origin: germline.

Mayo Clinic Laboratories, Mayo Clinic
Classification: Likely benign. Last evaluated: 2024-10-14. Review status: criteria provided, single submitter. Criteria: ACMG Guidelines, 2015. Collection method: clinical testing. Allele origin: germline. Observed: 2 variant alleles.
Comment: BS2, BP4, PP2, PM1_supporting

GeneDx
Classification: Likely benign. Last evaluated: 2020-12-09. Review status: criteria provided, single submitter. Criteria: GeneDx Variant Classification Process June 2021. Collection method: clinical testing. Allele origin: germline. Affected: yes.
Comment: In silico analysis supports that this missense variant does not alter protein structure/function; This variant is associated with the following publications: (PMID: 21520333)

Genomic Diagnostic Laboratory, Division of Genomic Diagnostics, Children's Hospital of Philadelphia
Classification: Uncertain significance. Last evaluated: 2015-10-29. Review status: criteria provided, single submitter. Criteria: DGD Variant Analysis Guidelines. Collection method: clinical testing. Allele origin: unknown.

Genetic Services Laboratory, University of Chicago
Classification: Uncertain significance. Last evaluated: 2015-05-15. Review status: criteria provided, single submitter. Criteria: ACMG Guidelines, 2015. Collection method: clinical testing. Allele origin: germline.